The following is an entry in ClinVar:

NM_025179.4(PLXNA2):c.2993+10del

Gene: PLXNA2 (plexin A2; minus strand). Cytogenetic location: 1q32.2.
Variant type: Deletion.
Coding change: c.2993+10del on transcript NM_025179.4 (MANE Select); 10 bases into the intron after coding-DNA position 2993, one base deleted (A; older notation c.2993+10delA).
Molecular consequence: intron variant.
Genome position (GRCh38, 1-based): chr1:208,052,317, T deleted on the plus strand (A on the coding strand, the reverse complement: PLXNA2 is on the minus strand); the first of 3 consecutive T bases (chr1:208,052,317-208,052,319); deleting any one gives the same sequence. VCF-style (leftmost placement, unchanged base first): chr1-208052316-GT-G. GRCh37 (hg19) VCF-style: chr1-208225661-GT-G.
Identifiers: ClinVar variation 3347860 (VCV003347860.1).
Genomic context (GRCh38, chr1:208,052,316, plus strand): 5'-TGCACAGTAACATGTGAACAGCACATGTCCCAGATGTGCAGTCTTCTGGTGGCCCTTCAA[GT>G]TTATCTCACCCGTAGAACTCGCAGGTCTGGTTGCCCAGGTAGACTGCCACGCTGCTCCCA-3'

ClinVar aggregate classification (germline): Likely benign (0 of 4 stars; one submission).

Conditions:
PLXNA2-related disorder. Also called: PLXNA2-related condition.

Submission:

PreventionGenetics, part of Exact Sciences
Classification: Likely benign for PLXNA2-related condition. Last evaluated: 2024-08-22. Review status: no assertion criteria provided. Collection method: clinical testing. Allele origin: germline.
Comment: This variant is classified as likely benign based on ACMG/AMP sequence variant interpretation guidelines (Richards et al. 2015 PMID: 25741868, with internal and published modifications).